The following is an entry in ClinVar:

ClinVar aggregate classification (germline): Conflicting classifications of pathogenicity. Review status: criteria provided, conflicting classifications (1 of 4 stars). 2 submissions from 2 submitters: Likely pathogenic (1); Uncertain significance (1). Last evaluated 2024-02-17.

Allele frequency attached by ClinVar (database versions not stated): gnomAD exomes below 0.00001; gnomAD 0.00002.
gnomAD v4.1: 4 of 1,613,670 alleles (0.00025%); highest among the groups gnomAD compares: African/African-American, 0.0053%; no homozygotes.

Submissions (2):

Labcorp Genetics (formerly Invitae), Labcorp
Classification: Likely pathogenic. Last evaluated: 2024-02-17. Review status: criteria provided, single submitter. Criteria: Invitae Variant Classification Sherloc (09022015). Collection method: clinical testing. Allele origin: germline.
Comment: This sequence change affects an acceptor splice site in intron 19 of the CDK5RAP2 gene. It is expected to disrupt RNA splicing. Variants that disrupt the donor or acceptor splice site typically lead to a loss of protein function (PMID: 16199547), and loss-of-function variants in CDK5RAP2 are known to be pathogenic (PMID: 15793586, 20460369, 26436113). This variant is present in population databases (no rsID available, gnomAD 0.02%). This variant has not been reported in the literature in individuals affected with CDK5RAP2-related conditions. ClinVar contains an entry for this variant (Variation ID: 2575755). Algorithms developed to predict the effect of sequence changes on RNA splicing suggest that this variant may disrupt the consensus splice site. In summary, the currently available evidence indicates that the variant is pathogenic, but additional data are needed to prove that conclusively. Therefore, this variant has been classified as Likely Pathogenic.

GeneDx
Classification: Uncertain significance. Last evaluated: 2023-02-10. Review status: criteria provided, single submitter. Criteria: GeneDx Variant Classification Process June 2021. Collection method: clinical testing. Allele origin: germline. Affected: yes.
Comment: Canonical splice site variant predicted to result in a null allele in a gene for which loss of function is a known mechanism of disease; Has not been previously published as pathogenic or benign to our knowledge

Literature cited by the submitters: PubMed 16199547 (cited by Labcorp Genetics (formerly Invitae), Labcorp); PubMed 15793586 (cited by Labcorp Genetics (formerly Invitae), Labcorp); PubMed 20460369 (cited by Labcorp Genetics (formerly Invitae), Labcorp); PubMed 26436113 (cited by Labcorp Genetics (formerly Invitae), Labcorp).

NM_018249.6(CDK5RAP2):c.2203-2A>T

Gene: CDK5RAP2 (CDK5 regulatory subunit associated protein 2; minus strand). Cytogenetic location: 9q33.2.
Variant type: single nucleotide variant.
Coding change: c.2203-2A>T on transcript NM_018249.6 (MANE Select); the canonical splice acceptor site of the intron before coding-DNA position 2203, A replaced by T.
Molecular consequence: splice acceptor variant. On other transcripts: intron variant (1).
Genome position (GRCh38, 1-based): chr9:120,458,624, T>A on the plus strand (A>T on the coding strand, the complement: CDK5RAP2 is on the minus strand). VCF-style: chr9-120458624-T-A. GRCh37 (hg19) VCF-style: chr9-123220902-T-A.
Other names: c.2103+9236A>T (NM_001272039.2); c.2104-2A>T (NM_001410992.1); c.2200-2A>T (NM_001410994.1); c.2107-2A>T (NM_001410993.1); c.2203-2A>T (NM_001011649.3).
Identifiers: ClinVar variation 2575755 (VCV002575755.3), dbSNP rs1204244672, ClinGen allele CA374704295.